The following is an entry in ClinVar:

NM_014049.5(ACAD9):c.1529G>A (p.Arg510Gln)

Gene: ACAD9 (acyl-CoA dehydrogenase family member 9; plus strand). Cytogenetic location: 3q21.3.
Variant type: single nucleotide variant.
Coding change: c.1529G>A on transcript NM_014049.5 (MANE Select); coding-DNA position 1529, G replaced by A.
Protein change: p.Arg510Gln; replaces arginine 510 with glutamine.
Molecular consequence: missense variant. On other transcripts: non-coding transcript variant (1).
Genome position (GRCh38, 1-based): chr3:128,909,387, G>A. VCF-style: chr3-128909387-G-A. GRCh37 (hg19) VCF-style: chr3-128628230-G-A.
Other names: c.1160G>A, p.Arg387Gln (NM_001410805.1); short protein forms R387Q, R510Q.
Identifiers: ClinVar variation 2201070 (VCV002201070.2), dbSNP rs759814274, ClinGen allele CA2601579.

ClinVar aggregate classification (germline): Uncertain significance. Review status: criteria provided, multiple submitters, no conflicts (2 of 4 stars). 2 submissions from 2 submitters: Uncertain significance (2). Last evaluated 2024-08-29.

Allele frequency attached by ClinVar (database versions not stated): TOPMed below 0.00001; ExAC 0.00001; gnomAD exomes 0.00001.

Submissions (2):

Blueprint Genetics
Classification: Uncertain significance. Last evaluated: 2024-08-29. Review status: criteria provided, single submitter. Criteria: ACMG Guidelines, 2015. Collection method: clinical testing. Allele origin: germline.

Labcorp Genetics (formerly Invitae), Labcorp
Classification: Uncertain significance. Last evaluated: 2022-07-23. Review status: criteria provided, single submitter. Criteria: Invitae Variant Classification Sherloc (09022015). Collection method: clinical testing. Allele origin: germline.
Comment: This sequence change replaces arginine, which is basic and polar, with glutamine, which is neutral and polar, at codon 510 of the ACAD9 protein (p.Arg510Gln). This variant is present in population databases (rs759814274, gnomAD 0.003%). This variant has not been reported in the literature in individuals affected with ACAD9-related conditions. Advanced modeling of protein sequence and biophysical properties (such as structural, functional, and spatial information, amino acid conservation, physicochemical variation, residue mobility, and thermodynamic stability) performed at Invitae indicates that this missense variant is not expected to disrupt ACAD9 protein function. Algorithms developed to predict the effect of sequence changes on RNA splicing suggest that this variant may create or strengthen a splice site. In summary, the available evidence is currently insufficient to determine the role of this variant in disease. Therefore, it has been classified as a Variant of Uncertain Significance.